The following is an entry in ClinVar:

NM_000124.4(ERCC6):c.335A>G (p.Gln112Arg)

Gene: ERCC6 (ERCC excision repair 6, chromatin remodeling factor; minus strand). Cytogenetic location: 10q11.23.
Variant type: single nucleotide variant.
Coding change: c.335A>G on transcript NM_000124.4 (MANE Select); coding-DNA position 335, A replaced by G.
Protein change: p.Gln112Arg; replaces glutamine 112 with arginine.
Molecular consequence: missense variant.
Genome position (GRCh38, 1-based): chr10:49,532,630, T>C on the plus strand (A>G on the coding strand, the complement: ERCC6 is on the minus strand). VCF-style: chr10-49532630-T-C. GRCh37 (hg19) VCF-style: chr10-50740676-T-C.
Other names: c.335A>G, p.Gln112Arg (NM_001277058.2, NM_001277059.2, NM_001346440.2); short protein forms Q112R.
Identifiers: ClinVar variation 2199781 (VCV002199781.1), dbSNP rs2496173428, ClinGen allele CA376712268.

ClinVar aggregate classification (germline): Uncertain significance (1 of 4 stars; one submission).

Submission:

Labcorp Genetics (formerly Invitae), Labcorp
Classification: Uncertain significance. Last evaluated: 2021-06-18. Review status: criteria provided, single submitter. Criteria: Invitae Variant Classification Sherloc (09022015). Collection method: clinical testing. Allele origin: germline.
Comment: This sequence change replaces glutamine with arginine at codon 112 of the ERCC6 protein (p.Gln112Arg). The glutamine residue is highly conserved and there is a small physicochemical difference between glutamine and arginine. This variant is not present in population databases (ExAC no frequency). This variant has not been reported in the literature in individuals with ERCC6-related disease. Algorithms developed to predict the effect of missense changes on protein structure and function (SIFT, PolyPhen-2, Align-GVGD) all suggest that this variant is likely to be disruptive, but these predictions have not been confirmed by published functional studies and their clinical significance is uncertain. In summary, the available evidence is currently insufficient to determine the role of this variant in disease. Therefore, it has been classified as a Variant of Uncertain Significance.